The following is an entry in ClinVar:

NM_022552.5(DNMT3A):c.1711dup (p.Ala571fs)

Gene: DNMT3A (DNA methyltransferase 3 alpha; minus strand). Cytogenetic location: 2p23.3.
Variant type: Duplication.
Coding change: c.1711dup on transcript NM_022552.5 (MANE Select); coding-DNA position 1711, one base duplicated (G; older notation c.1711dupG).
Protein change: p.Ala571fs; shifts the reading frame from alanine 571.
Molecular consequence: frameshift variant. On other transcripts: non-coding transcript variant (1).
Genome position (GRCh38, 1-based): chr2:25,244,295, C duplicated on the plus strand (G on the coding strand, the reverse complement: DNMT3A is on the minus strand); the first of 5 consecutive C bases (chr2:25,244,295-25,244,299); duplicating any one gives the same sequence. VCF-style (leftmost placement, unchanged base first): chr2-25244294-G-GC. GRCh37 (hg19) VCF-style: chr2-25467163-G-GC.
Other names: c.1255dup, p.Ala419fs (NM_001320893.1); c.1042dup, p.Ala348fs (NM_001375819.1); c.1144dup, p.Ala382fs (NM_153759.3); c.1711dup, p.Ala571fs (NM_175629.2); short protein forms A348fs, A382fs, A419fs, A571fs.
Identifiers: ClinVar variation 1072186 (VCV001072186.8), dbSNP rs1558665485, ClinGen allele CA531760957.

ClinVar aggregate classification (germline): Pathogenic/Likely pathogenic. Review status: criteria provided, multiple submitters, no conflicts (2 of 4 stars). 2 submissions from 2 submitters: Pathogenic (1); Likely pathogenic (1). Last evaluated 2023-04-21.

Conditions:
Tatton-Brown-Rahman overgrowth syndrome. Also called: Tall stature-intellectual disability-facial dysmorphism syndrome; Tatton-Brown-Rahman syndrome. Identifiers: Orphanet 404443, MedGen C4014545, MONDO:0014382, OMIM 615879.

Submissions (2):

Illumina Laboratory Services, Illumina
Classification: Likely pathogenic for Tatton-Brown-Rahman overgrowth syndrome. Last evaluated: 2023-04-21. Review status: criteria provided, single submitter. Criteria: ICSLVariantClassificationCriteria RUGD 01 April 2020. Collection method: clinical testing. Allele origin: unknown.
Comment: The DNMT3A c.1711dup (p.Ala571GlyfsTer7) variant causes a shift in the protein reading frame that is predicted to result in premature termination of the protein. Loss of normal protein function through either protein truncation or nonsense-mediated mRNA decay is expected. To our knowledge, this variant has not been reported in the peer-reviewed literature. This variant is not observed at a significant frequency in version 2.1.1 or version 3.1.2 of the Genome Aggregation Database. Based on the available evidence, the c.1711dup (p.Ala571GlyfsTer7) variant is classified as likely pathogenic for Tatton-Brown-Rahman syndrome.

Labcorp Genetics (formerly Invitae), Labcorp
Classification: Pathogenic for Tatton-Brown-Rahman overgrowth syndrome. Last evaluated: 2020-08-14. Review status: criteria provided, single submitter. Criteria: Invitae Variant Classification Sherloc (09022015). Collection method: clinical testing. Allele origin: germline.
Comment: Loss-of-function variants in DNMT3A are known to be pathogenic (PMID: 24614070). For these reasons, this variant has been classified as Pathogenic. This variant has not been reported in the literature in individuals with DNMT3A-related conditions. This variant is not present in population databases (ExAC no frequency). This sequence change creates a premature translational stop signal (p.Ala571Glyfs*7) in the DNMT3A gene. It is expected to result in an absent or disrupted protein product.

Literature cited by the submitters: PubMed 24614070 (cited by Labcorp Genetics (formerly Invitae), Labcorp).